The following is an entry in ClinVar:

NM_000037.4(ANK1):c.5485C>T (p.Arg1829Cys)

Gene: ANK1 (ankyrin 1; minus strand). Cytogenetic location: 8p11.21.
Variant type: single nucleotide variant.
Coding change: c.5485C>T on transcript NM_000037.4 (MANE Select); coding-DNA position 5485, C replaced by T.
Protein change: p.Arg1829Cys; replaces arginine 1829 with cysteine.
Molecular consequence: missense variant. On other transcripts: intron variant (1).
Genome position (GRCh38, 1-based): chr8:41,661,935, G>A on the plus strand (C>T on the coding strand, the complement: ANK1 is on the minus strand). VCF-style: chr8-41661935-G-A. GRCh37 (hg19) VCF-style: chr8-41519453-G-A.
Other names: c.310C>T, p.Arg104Cys (NM_001142445.2, NM_020478.5); c.5608C>T, p.Arg1870Cys (NM_001142446.2); c.5485C>T, p.Arg1829Cys (NM_020475.3, NM_020476.3); c.4999C>T, p.Arg1667Cys (NM_020477.3); c.303+1724C>T (NM_020480.5); short protein forms R104C, R1667C, R1829C, R1870C.
Identifiers: ClinVar variation 1314608 (VCV001314608.8), dbSNP rs751690725, ClinGen allele CA4727155.
Genomic context (GRCh38, chr8:41,661,935, plus strand): 5'-CCTCCTCGTGCTCCTGGGCGGCATCGGCGCTGGACAAGTCTATCTGTCGAACCACCTTGC[G>A]AATGATCTAGGAAAGGAAGGGAAGGAGGAAAGGGCTGGTCAGGCCGGGCTCGGGGGCTCA-3'
Protein context (NP_000028.3, residues 1819-1839): QGNIVTKKII[Arg1829Cys]KVVRQIDLSS

ClinVar aggregate classification (germline): Uncertain significance. Review status: criteria provided, multiple submitters, no conflicts (2 of 4 stars). 2 submissions from 2 submitters: Uncertain significance (2). Last evaluated 2022-09-23.

Allele frequency attached by ClinVar (database versions not stated): gnomAD exomes below 0.00001; ExAC 0.00001; TOPMed 0.00002.
gnomAD v4.1: 112 of 1,613,868 alleles (0.0069%); highest among the groups gnomAD compares: Non-Finnish European, 0.0094%; no homozygotes.

Submissions (2):

Labcorp Genetics (formerly Invitae), Labcorp
Classification: Uncertain significance. Last evaluated: 2022-09-23. Review status: criteria provided, single submitter. Criteria: Invitae Variant Classification Sherloc (09022015). Collection method: clinical testing. Allele origin: germline.
Comment: This variant is present in population databases (rs751690725, gnomAD 0.0009%). This sequence change replaces arginine, which is basic and polar, with cysteine, which is neutral and slightly polar, at codon 1829 of the ANK1 protein (p.Arg1829Cys). This variant has not been reported in the literature in individuals affected with ANK1-related conditions. ClinVar contains an entry for this variant (Variation ID: 1314608). Algorithms developed to predict the effect of missense changes on protein structure and function are either unavailable or do not agree on the potential impact of this missense change (SIFT: "Deleterious"; PolyPhen-2: "Possibly Damaging"; Align-GVGD: "Class C0"). In summary, the available evidence is currently insufficient to determine the role of this variant in disease. Therefore, it has been classified as a Variant of Uncertain Significance.

GeneDx
Classification: Uncertain significance. Last evaluated: 2021-04-15. Review status: criteria provided, single submitter. Criteria: GeneDx Variant Classification Process June 2021. Collection method: clinical testing. Allele origin: germline. Affected: yes.
Comment: In silico analysis supports that this missense variant has a deleterious effect on protein structure/function; Has not been previously published as pathogenic or benign to our knowledge